The following is an entry in ClinVar:

NM_001130987.2(DYSF):c.3895A>T (p.Lys1299Ter)

Gene: DYSF (dysferlin; plus strand). Cytogenetic location: 2p13.2.
Variant type: single nucleotide variant.
Coding change: c.3895A>T on transcript NM_001130987.2 (MANE Select); coding-DNA position 3895, A replaced by T.
Protein change: p.Lys1299Ter; replaces lysine 1299 with a stop codon.
Molecular consequence: nonsense.
Genome position (GRCh38, 1-based): chr2:71,600,840, A>T. VCF-style: chr2-71600840-A-T. GRCh37 (hg19) VCF-style: chr2-71827970-A-T.
Other names: c.3844A>T, p.Lys1282Ter (NM_001130455.2, NM_001130983.2); c.3799A>T, p.Lys1267Ter (NM_001130976.2, NM_001130977.2); c.3841A>T, p.Lys1281Ter (NM_001130978.2, NM_003494.4); c.3934A>T, p.Lys1312Ter (NM_001130979.2); c.3892A>T, p.Lys1298Ter (NM_001130980.2, NM_001130981.2); c.3937A>T, p.Lys1313Ter (NM_001130982.2); c.3802A>T, p.Lys1268Ter (NM_001130984.2, NM_001130986.2); c.3895A>T, p.Lys1299Ter (NM_001130985.2); short protein forms K1267*, K1268*, K1281*, K1282*, K1298*, K1299*, K1312*, K1313*.
Identifiers: ClinVar variation 984122 (VCV000984122.4), dbSNP rs1462064763, ClinGen allele CA347225716.

ClinVar aggregate classification (germline): Likely pathogenic (1 of 4 stars; one submission).

Conditions:
Autosomal recessive limb-girdle muscular dystrophy. Identifiers: Orphanet 102015, MedGen C2931907, MONDO:0015152.

Submission:

Myriad Genetics, Inc.
Classification: Likely pathogenic for Autosomal recessive limb-girdle muscular dystrophy. Last evaluated: 2019-12-16. Review status: criteria provided, single submitter. Criteria: Myriad Autosomal Dominant, Autosomal Recessive and X-Linked Classification Criteria (2023). Collection method: clinical testing. Allele origin: unknown.
Comment: NM_003494.3(DYSF):c.3841A>T(K1281*) is expected to be pathogenic in the context of dysferlinopathy. This variant is predicted to lead to an abnormal or absent protein product due to the creation of a premature termination codon in DYSF, a gene where loss-of-function variants are known to be pathogenic. Please note: this variant was assessed in the context of healthy population screening.